The following is an entry in ClinVar:

NM_000268.4(NF2):c.1470G>A (p.Pro490=)

Gene: NF2 (NF2, moesin-ezrin-radixin like (MERLIN) tumor suppressor; plus strand). Cytogenetic location: 22q12.2.
Variant type: single nucleotide variant.
Coding change: c.1470G>A on transcript NM_000268.4 (MANE Select); coding-DNA position 1470, G replaced by A.
Protein change: p.Pro490=; no amino-acid change (proline 490 retained).
Molecular consequence: synonymous variant. On other transcripts: non-coding transcript variant (1), intron variant (1).
Genome position (GRCh38, 1-based): chr22:29,678,219, G>A. VCF-style: chr22-29678219-G-A. GRCh37 (hg19) VCF-style: chr22-30074208-G-A.
Other names: c.1470G>A, p.Pro490= (NM_016418.5, NM_181825.3, NM_181832.3); c.1344G>A, p.Pro448= (NM_181828.3); c.1347G>A, p.Pro449= (NM_181829.3); c.1221G>A, p.Pro407= (NM_181830.3, NM_181831.3); c.448-16533G>A (NM_181833.3).
Identifiers: ClinVar variation 262992 (VCV000262992.15), dbSNP rs373442542, ClinGen allele CA10587372.

ClinVar aggregate classification (germline): Likely benign. Review status: criteria provided, multiple submitters, no conflicts (2 of 4 stars). 5 submissions from 5 submitters: Likely benign (5). Last evaluated 2025-10-23.

Conditions:
Hereditary cancer-predisposing syndrome. Also called: Tumor predisposition; Hereditary neoplastic syndrome; Neoplastic Syndromes, Hereditary; Hereditary Cancer Syndrome. Identifiers: Orphanet 140162, MedGen C0027672, MeSH D009386, MONDO:0015356.
Neurofibromatosis, type 2 (SWNV). Also called: BILATERAL ACOUSTIC NEUROFIBROMATOSIS; NF2-Related Schwannomatosis; SCHWANNOMATOSIS, VESTIBULAR. Identifiers: Orphanet 637, MedGen C0027832, MONDO:0007039, OMIM 101000. Disease mechanism: loss of function.

Submissions (5):

Labcorp Genetics (formerly Invitae), Labcorp
Classification: Likely benign for Neurofibromatosis, type 2. Last evaluated: 2025-10-23. Review status: criteria provided, single submitter. Criteria: Invitae Variant Classification Sherloc (09022015). Collection method: clinical testing. Allele origin: germline.

All of Us Research Program, National Institutes of Health
Classification: Likely benign for Neurofibromatosis, type 2. Last evaluated: 2023-02-24. Review status: criteria provided, single submitter. Criteria: ACMG Guidelines, 2015. Collection method: clinical testing. Allele origin: germline. Inheritance: Autosomal dominant inheritance. Observed: 1 variant allele, 1 heterozygote.
Comment: This study involves interpretation of variants in research participants for the purpose of population health screening. Participant phenotype was not available at the time of variant classification. Additional details can be found in publication PMID: 35346344, PMCID: PMC8962531

Color Diagnostics, LLC DBA Color Health
Classification: Likely benign for Neurofibromatosis, type 2. Last evaluated: 2022-11-06. Review status: criteria provided, single submitter. Criteria: ACMG Guidelines, 2015. Collection method: clinical testing. Allele origin: germline.

Ambry Genetics
Classification: Likely benign for Hereditary cancer-predisposing syndrome. Last evaluated: 2019-10-31. Review status: criteria provided, single submitter. Criteria: Ambry Variant Classification Scheme 2023. Collection method: clinical testing. Allele origin: germline.

PreventionGenetics, part of Exact Sciences
Classification: Likely benign. Review status: criteria provided, single submitter. Criteria: ACMG Guidelines, 2015. Collection method: clinical testing. Allele origin: germline.